The following is an entry in ClinVar:

NM_194454.3(KRIT1):c.2085T>A (p.Thr695=)

Gene: KRIT1 (KRIT1 ankyrin repeat containing; minus strand). Cytogenetic location: 7q21.2.
Variant type: single nucleotide variant.
Coding change: c.2085T>A on transcript NM_194454.3 (MANE Select); coding-DNA position 2085, T replaced by A.
Protein change: p.Thr695=; no amino-acid change (threonine 695 retained).
Molecular consequence: synonymous variant.
Genome position (GRCh38, 1-based): chr7:92,201,364, A>T on the plus strand (T>A on the coding strand, the complement: KRIT1 is on the minus strand). VCF-style: chr7-92201364-A-T. GRCh37 (hg19) VCF-style: chr7-91830678-A-T.
Other names: c.1941T>A, p.Thr647= (NM_001013406.2, NM_001350669.1, NM_001350670.1); c.1371T>A, p.Thr457= (NM_001350671.1); c.2085T>A, p.Thr695= (NM_001350672.1, NM_001350673.1, NM_001350674.1 and 26 more transcripts).
Identifiers: ClinVar variation 1599149 (VCV001599149.13), dbSNP rs149437256, ClinGen allele CA4338957.

ClinVar aggregate classification (germline): Benign/Likely benign. Review status: criteria provided, multiple submitters, no conflicts (2 of 4 stars). 5 submissions from 5 submitters: Benign (2); Likely benign (3). Last evaluated 2026-07-01.

Conditions:
Inborn genetic diseases. Identifiers: MedGen C0950123, MeSH D030342.
Cerebral cavernous malformation (CCM). Also called: CAVERNOUS ANGIOMA, FAMILIAL; CAVERNOUS ANGIOMATOUS MALFORMATIONS; CEREBRAL CAPILLARY MALFORMATIONS; Cavernous Hemangioma of Brain; Cerebral cavernous hemangioma (type); Cerebral cavernous malformations. Identifiers: Orphanet 221061, MedGen C2919945, MONDO:0000820, OMIM 116860, HP:0033522.

Allele frequency attached by ClinVar (database versions not stated): ESP Exome Variant Server 0.00015; 1000 Genomes Project 30x 0.00016; 1000 Genomes Project 0.00020; gnomAD 0.00048 and 0.00051; gnomAD exomes 0.00072; ExAC 0.00089; TOPMed 0.00013.
gnomAD v4.1: 549 of 1,601,060 alleles (0.034%); highest among the groups gnomAD compares: Non-Finnish European, 0.017%; 1 homozygote.

Submissions (5):

CeGaT Center for Human Genetics Tuebingen
Classification: Likely benign. Last evaluated: 2026-07-01. Review status: criteria provided, single submitter. Criteria: CeGaT Center For Human Genetics Tuebingen Variant Classification Criteria Version 2. Collection method: clinical testing. Allele origin: germline. Affected: yes. Observed: 1 variant allele.
Comment: KRIT1: BP4, BP7

Labcorp Genetics (formerly Invitae), Labcorp
Classification: Benign for Cerebral cavernous malformation. Last evaluated: 2025-10-02. Review status: criteria provided, single submitter. Criteria: Invitae Variant Classification Sherloc (09022015). Collection method: clinical testing. Allele origin: germline.

Blueprint Genetics
Classification: Likely benign. Last evaluated: 2024-09-30. Review status: criteria provided, single submitter. Criteria: ACMG Guidelines, 2015. Collection method: clinical testing. Allele origin: germline.

Ambry Genetics
Classification: Likely benign for Inborn genetic diseases. Last evaluated: 2023-04-22. Review status: criteria provided, single submitter. Criteria: Ambry Variant Classification Scheme 2023. Collection method: clinical testing. Allele origin: germline.

Breakthrough Genomics
Classification: Benign. Review status: criteria provided, single submitter. Criteria: ACMG Guidelines, 2015. Collection method: not provided. Allele origin: germline. Inheritance: Autosomal dominant inheritance. Affected: yes.